The following is an entry in ClinVar:

ClinVar aggregate classification (germline): Pathogenic. Review status: criteria provided, multiple submitters, no conflicts (2 of 4 stars). 2 submissions from 2 submitters: Pathogenic (2). Last evaluated 2026-05-18.

Conditions:
Familial cancer of breast. Also called: hereditary breast carcinoma; BREAST CANCER, FAMILIAL; Hereditary breast cancer. Identifiers: Orphanet 227535, MedGen C0346153, MONDO:0016419, OMIM 114480. Disease mechanism: loss of function.
Hereditary cancer-predisposing syndrome. Also called: Tumor predisposition; Hereditary Cancer Syndrome; Hereditary neoplastic syndrome; Neoplastic Syndromes, Hereditary. Identifiers: Orphanet 140162, MedGen C0027672, MeSH D009386, MONDO:0015356.

Submissions (2):

Ambry Genetics
Classification: Pathogenic for Hereditary cancer-predisposing syndrome. Last evaluated: 2026-05-18. Review status: criteria provided, single submitter. Criteria: Ambry Variant Classification Scheme 2023. Collection method: clinical testing. Allele origin: germline.
Comment: The c.5777_5778delCAins51 pathogenic mutation, located in coding exon 38 of the ATM gene, results from the deletion of two nucleotides and insertion of 51 nucleotides causing a translational frameshift with a predicted alternate stop codon (p.T1926Rfs*7). This variant has been identified in the homozygous state and/or in conjunction with other ATM variant(s) in individual(s) with features consistent with ataxia telangiectasia (Ambry internal data). This variant is considered to be rare based on population cohorts in the Genome Aggregation Database (gnomAD). This alteration is expected to result in loss of function by premature protein truncation or nonsense-mediated mRNA decay. As such, this alteration is interpreted as a disease-causing mutation.

Myriad Genetics, Inc.
Classification: Pathogenic for Familial cancer of breast. Last evaluated: 2024-01-26. Review status: criteria provided, single submitter. Criteria: Myriad Autosomal Dominant, Autosomal Recessive and X-Linked Classification Criteria (2023). Collection method: clinical testing. Allele origin: unknown.
Comment: This variant is considered pathogenic. This variant creates a frameshift predicted to result in premature protein truncation.

NM_000051.4(ATM):c.5777_5778delinsGGTCTTCTTTAGACCTTTAGACCTTTCTTTAGACCTTCTTCAGGAAGCATC (p.Thr1926delinsArgSerSerLeuAspLeuTer)

Genes: ATM (ATM serine/threonine kinase; plus strand), C11orf65 (chromosome 11 open reading frame 65; minus strand). Cytogenetic location: 11q22.3.
Variant type: Indel.
Coding change: c.5777_5778delinsGGTCTTCTTTAGACCTTTAGACCTTTCTTTAGACCTTCTTCAGGAAGCATC on transcript NM_000051.4 (MANE Select); coding-DNA positions 5777 to 5778, the reference bases replaced by an inserted sequence.
Protein change: p.Thr1926delinsArgSerSerLeuAspLeuTer.
Molecular consequence: nonsense. On other transcripts: intron variant (2).
Genome position (GRCh38, 1-based): chr11:108,310,174-108,310,175, 2 bases replaced. GRCh37 (hg19): chr11:108,180,901-108,180,902.
Other names: c.5777_5778delinsGGTCTTCTTTAGACCTTTAGACCTTTCTTTAGACCTTCTTCAGGAAGCATC, p.Thr1926delinsArgSerSerLeuAspLeuTer (NM_001351834.2); c.641-1104_641-1103delinsGATGCTTCCTGAAGAAGGTCTAAAGAAAGGTCTAAAGGTCTAAAGAAGACC (NM_001330368.2); c.*39-1104_*39-1103delinsGATGCTTCCTGAAGAAGGTCTAAAGAAAGGTCTAAAGGTCTAAAGAAGACC (NM_001351110.2).
Identifiers: ClinVar variation 3148535 (VCV003148535.2), dbSNP rs2547026213, ClinGen allele CA2825001920.